The following is an entry in ClinVar:

NM_000642.3(AGL):c.116del (p.Leu39fs)

Gene: AGL (amylo-alpha-1,6-glucosidase and 4-alpha-glucanotransferase; plus strand). Cytogenetic location: 1p21.2.
Variant type: Deletion.
Coding change: c.116del on transcript NM_000642.3 (MANE Select); coding-DNA position 116, one base deleted (T; older notation c.116delT).
Protein change: p.Leu39fs; shifts the reading frame from leucine 39.
Molecular consequence: frameshift variant. On other transcripts: intron variant (1).
Genome position (GRCh38, 1-based): chr1:99,861,536, T deleted; the last of 3 consecutive T bases (chr1:99,861,534-99,861,536); deleting any one gives the same sequence. VCF-style (leftmost placement, unchanged base first): chr1-99861533-CT-C. GRCh37 (hg19) VCF-style: chr1-100327089-CT-C.
Other names: c.116del, p.Leu39fs (NM_000028.3, NM_000643.3, NM_000644.3 and 5 more transcripts); c.68del, p.Leu23fs (NM_000646.3); c.83-2850del (NM_001425332.1); short protein forms L23fs, L39fs.
Identifiers: ClinVar variation 4814429 (VCV004814429.1).

ClinVar aggregate classification (germline): Likely pathogenic (1 of 4 stars; one submission).

Conditions:
Glycogen storage disease type III (GSD3). Also called: FORBES DISEASE; Cori disease. Identifiers: Orphanet 366, MedGen C0017922, MONDO:0009291, OMIM 232400.

Submission:

Natera, Inc.
Classification: Likely pathogenic for Glycogen storage disease type III. Last evaluated: 2025-09-04. Review status: criteria provided, single submitter. Criteria: Natera Variant Classification Schema (03/2026). Collection method: clinical testing. Allele origin: germline.
Comment: The c.116delT variant in AGL is a frameshift variant predicted to shift the reading frame beginning at codon 39 and leads to a stop codon 69 codons downstream. This variant is expected to result in nonsense mediated decay, truncation, or a dysfunctional protein product. This variant is rare in the general population with a frequency below the threshold expected for the associated phenotype(s). Given the available evidence, this variant is classified as Likely Pathogenic.